The following is an entry in ClinVar:

NM_000302.4(PLOD1):c.829C>A (p.Leu277Ile)

Gene: PLOD1 (procollagen-lysine,2-oxoglutarate 5-dioxygenase 1; plus strand). Cytogenetic location: 1p36.22.
Variant type: single nucleotide variant.
Coding change: c.829C>A on transcript NM_000302.4 (MANE Select); coding-DNA position 829, C replaced by A.
Protein change: p.Leu277Ile; replaces leucine 277 with isoleucine.
Molecular consequence: missense variant.
Genome position (GRCh38, 1-based): chr1:11,957,929, C>A. VCF-style: chr1-11957929-C-A. GRCh37 (hg19) VCF-style: chr1-12017986-C-A.
Other names: c.970C>A, p.Leu324Ile (NM_001316320.2); short protein forms L277I, L324I.
Identifiers: ClinVar variation 3890557 (VCV003890557.1).
Genomic context (GRCh38, chr1:11,957,929, plus strand): 5'-ATCCCGCGCTTCTGGACCTTCGAAACAGGCTGCACCGTGTGTGACGAAGGCTTGCGCAGC[C>A]TCAAGGGCATTGGGGTGAGGCTGCGCCCAGGCCTGTGCCTGAGGGACACGGGGGGCTCAG-3'
Protein context (NP_000293.2, residues 267-287): CTVCDEGLRS[Leu277Ile]KGIGDEALPT

ClinVar aggregate classification (germline): Uncertain significance (1 of 4 stars; one submission).

Conditions:
Familial thoracic aortic aneurysm and aortic dissection (TAAD). Also called: Thoracic aortic aneurysms and dissections. Identifiers: Orphanet 91387, MedGen C4707243, MONDO:0019625.

Submission:

Ambry Genetics
Classification: Uncertain significance for Familial thoracic aortic aneurysm and aortic dissection. Last evaluated: 2024-12-31. Review status: criteria provided, single submitter. Criteria: Ambry Variant Classification Scheme 2023. Collection method: clinical testing. Allele origin: germline.
Comment: The p.L277I variant (also known as c.829C>A), located in coding exon 8 of the PLOD1 gene, results from a C to A substitution at nucleotide position 829. The leucine at codon 277 is replaced by isoleucine, an amino acid with highly similar properties. This amino acid position is conserved. In addition, the in silico prediction for this alteration is inconclusive. Based on the available evidence, the clinical significance of this variant remains unclear.